The following is an entry in ClinVar:

ClinVar aggregate classification (germline): Uncertain significance (1 of 4 stars; one submission).

Submission:

Labcorp Genetics (formerly Invitae), Labcorp
Classification: Uncertain significance. Last evaluated: 2024-09-28. Review status: criteria provided, single submitter. Criteria: Invitae Variant Classification Sherloc (09022015). Collection method: clinical testing. Allele origin: germline.
Comment: This sequence change replaces threonine, which is neutral and polar, with isoleucine, which is neutral and non-polar, at codon 483 of the HYOU1 protein (p.Thr483Ile). This variant is not present in population databases (gnomAD no frequency). This variant has not been reported in the literature in individuals affected with HYOU1-related conditions. An algorithm developed to predict the effect of missense changes on protein structure and function (PolyPhen-2) suggests that this variant is likely to be disruptive. In summary, the available evidence is currently insufficient to determine the role of this variant in disease. Therefore, it has been classified as a Variant of Uncertain Significance.

NM_006389.5(HYOU1):c.1448C>T (p.Thr483Ile)

Gene: HYOU1 (hypoxia up-regulated 1; minus strand). Cytogenetic location: 11q23.3.
Variant type: single nucleotide variant.
Coding change: c.1448C>T on transcript NM_006389.5 (MANE Select); coding-DNA position 1448, C replaced by T.
Protein change: p.Thr483Ile; replaces threonine 483 with isoleucine.
Molecular consequence: missense variant.
Genome position (GRCh38, 1-based): chr11:119,051,516, G>A on the plus strand (C>T on the coding strand, the complement: HYOU1 is on the minus strand). VCF-style: chr11-119051516-G-A. GRCh37 (hg19) VCF-style: chr11-118922228-G-A.
Other names: c.1448C>T, p.Thr483Ile (NM_001130991.3, NM_001411041.1); short protein forms T483I.
Identifiers: ClinVar variation 3671612 (VCV003671612.2).